The following is an entry in ClinVar:

ClinVar aggregate classification (germline): Uncertain significance (1 of 4 stars; one submission).

Conditions:
Dilated cardiomyopathy 1G (CMD1G). Identifiers: Orphanet 154, MedGen C1858763, MONDO:0011400, OMIM 604145.
Autosomal recessive limb-girdle muscular dystrophy type 2J (LGMDR10). Also called: Limb-girdle muscular dystrophy, type 2J; MUSCULAR DYSTROPHY, LIMB-GIRDLE, AUTOSOMAL RECESSIVE 10. Identifiers: Orphanet 140922, MedGen C1837342, MONDO:0012127, OMIM 608807.

Allele frequency attached by ClinVar (database versions not stated): gnomAD exomes below 0.00001.
gnomAD v4.1: 1 of 1,613,986 alleles (0.000062%); highest among the groups gnomAD compares: Non-Finnish European, 0.000085%; no homozygotes.

Submission:

Labcorp Genetics (formerly Invitae), Labcorp
Classification: Uncertain significance for Dilated cardiomyopathy 1G; Autosomal recessive limb-girdle muscular dystrophy type 2J. Last evaluated: 2023-12-13. Review status: criteria provided, single submitter. Criteria: Invitae Variant Classification Sherloc (09022015). Collection method: clinical testing. Allele origin: germline.
Comment: This sequence change replaces asparagine, which is neutral and polar, with aspartic acid, which is acidic and polar, at codon 35198 of the TTN protein (p.Asn35198Asp). This variant is present in population databases (no rsID available, gnomAD 0.0009%). This variant has not been reported in the literature in individuals affected with TTN-related conditions. Experimental studies and prediction algorithms are not available or were not evaluated, and the functional significance of this variant is currently unknown. This variant is located in the M band of TTN (PMID: 25589632). Non-truncating variants in this region may be relevant for neuromuscular disorders, but have not been definitively shown to cause cardiomyopathy (PMID: 23975875). In summary, the available evidence is currently insufficient to determine the role of this variant in disease. Therefore, it has been classified as a Variant of Uncertain Significance.

Literature cited by the submitters: PubMed 25589632; PubMed 23975875.

NM_001267550.2(TTN):c.105592A>G (p.Asn35198Asp)

Genes: TTN (titin; minus strand), TTN-AS1 (TTN antisense RNA 1; plus strand), LOC129935183 (ATAC-STARR-seq lymphoblastoid active region 16808; plus strand). Cytogenetic location: 2q31.2.
Variant type: single nucleotide variant.
Coding change: c.105592A>G on transcript NM_001267550.2 (MANE Select); coding-DNA position 105592, A replaced by G.
Protein change: p.Asn35198Asp; replaces asparagine 35198 with aspartic acid.
Molecular consequence: missense variant.
Genome position (GRCh38, 1-based): chr2:178,531,023, T>C on the plus strand (A>G on the coding strand, the complement: TTN is on the minus strand). VCF-style: chr2-178531023-T-C. GRCh37 (hg19) VCF-style: chr2-179395750-T-C.
Other names: c.100669A>G, p.Asn33557Asp (NM_001256850.1); c.78397A>G, p.Asn26133Asp (NM_003319.4); c.97888A>G, p.Asn32630Asp (NM_133378.4); c.78772A>G, p.Asn26258Asp (NM_133432.3); c.78973A>G, p.Asn26325Asp (NM_133437.4); short protein forms N35198D, N26258D, N32630D, N33557D, N26133D, N26325D.
Identifiers: ClinVar variation 2921379 (VCV002921379.3), dbSNP rs1363509929, ClinGen allele CA349408436.